The following is an entry in ClinVar:

ClinVar aggregate classification (germline): Likely pathogenic (1 of 4 stars; one submission).

Allele frequency attached by ClinVar (database versions not stated): gnomAD exomes below 0.00001.
gnomAD v4.1: 1 of 1,614,192 alleles (0.000062%); highest among the groups gnomAD compares: Non-Finnish European, 0.000085%; no homozygotes.

Submission:

Labcorp Genetics (formerly Invitae), Labcorp
Classification: Likely pathogenic. Last evaluated: 2025-06-11. Review status: criteria provided, single submitter. Criteria: Invitae Variant Classification Sherloc (09022015). Collection method: clinical testing. Allele origin: germline.
Comment: This sequence change affects a donor splice site in intron 19 of the SKIV2L gene. It is expected to disrupt RNA splicing. Variants that disrupt the donor or acceptor splice site typically lead to a loss of protein function (PMID: 16199547), and loss-of-function variants in SKIV2L are known to be pathogenic (PMID: 22444670). This variant is not present in population databases (gnomAD no frequency). This variant has not been reported in the literature in individuals affected with SKIV2L-related conditions. ClinVar contains an entry for this variant (Variation ID: 2847798). Algorithms developed to predict the effect of sequence changes on RNA splicing suggest that this variant may disrupt the consensus splice site. In summary, the currently available evidence indicates that the variant is pathogenic, but additional data are needed to prove that conclusively. Therefore, this variant has been classified as Likely Pathogenic.

Literature cited by the submitters: PubMed 16199547; PubMed 22444670.

NM_006929.5(SKIC2):c.2340+1G>A

Gene: SKIC2 (SKI2 subunit of superkiller complex; plus strand). Cytogenetic location: 6p21.33.
Variant type: single nucleotide variant.
Coding change: c.2340+1G>A on transcript NM_006929.5 (MANE Select); the canonical splice donor site of the intron after coding-DNA position 2340, G replaced by A.
Molecular consequence: splice donor variant.
Genome position (GRCh38, 1-based): chr6:31,966,847, G>A. VCF-style: chr6-31966847-G-A. GRCh37 (hg19) VCF-style: chr6-31934624-G-A.
Identifiers: ClinVar variation 2847798 (VCV002847798.3), dbSNP rs1772839282, ClinGen allele CA363472444.